The following is an entry in ClinVar:

NM_004247.4(EFTUD2):c.2697T>C (p.Ser899=)

Gene: EFTUD2 (elongation factor Tu GTP binding domain containing 2; minus strand). Cytogenetic location: 17q21.31.
Variant type: single nucleotide variant.
Coding change: c.2697T>C on transcript NM_004247.4 (MANE Select); coding-DNA position 2697, T replaced by C.
Protein change: p.Ser899=; no amino-acid change (serine 899 retained).
Molecular consequence: synonymous variant.
Genome position (GRCh38, 1-based): chr17:44,852,427, A>G on the plus strand (T>C on the coding strand, the complement: EFTUD2 is on the minus strand). VCF-style: chr17-44852427-A-G. GRCh37 (hg19) VCF-style: chr17-42929795-A-G.
Other names: c.2592T>C, p.Ser864= (NM_001142605.2); c.2697T>C, p.Ser899= (NM_001258353.2); c.2667T>C, p.Ser889= (NM_001258354.2).
Identifiers: ClinVar variation 712397 (VCV000712397.12), dbSNP rs201138721, ClinGen allele CA8607427.

ClinVar aggregate classification (germline): Benign/Likely benign. Review status: criteria provided, multiple submitters, no conflicts (2 of 4 stars). 4 submissions from 4 submitters: Benign (2); Likely benign (2). Last evaluated 2026-09-08.

Conditions:
EFTUD2-related disorder. Also called: EFTUD2-related condition.

Allele frequency attached by ClinVar (database versions not stated): gnomAD exomes 0.00009 and 0.00045; TOPMed 0.00014; gnomAD 0.00019 and 0.00023; ExAC 0.00042; 1000 Genomes Project 30x 0.00141; 1000 Genomes Project 0.00180.
gnomAD v4.1: 164 of 1,614,120 alleles (0.01%); highest among the groups gnomAD compares: East Asian, 0.35%; 1 homozygote.

Submissions (4):

PreventionGenetics, part of Exact Sciences
Classification: Likely benign for EFTUD2-related condition. Last evaluated: 2026-09-08. Review status: criteria provided, single submitter. Criteria: ACMG Guidelines, 2015. Collection method: clinical testing. Allele origin: germline.
Comment: This variant is classified as likely benign based on ACMG/AMP sequence variant interpretation guidelines (Richards et al. 2015 PMID: 25741868, with internal and published modifications).

Labcorp Genetics (formerly Invitae), Labcorp
Classification: Benign. Last evaluated: 2025-12-28. Review status: criteria provided, single submitter. Criteria: Invitae Variant Classification Sherloc (09022015). Collection method: clinical testing. Allele origin: germline.

Blueprint Genetics
Classification: Likely benign. Last evaluated: 2024-06-06. Review status: criteria provided, single submitter. Criteria: ACMG Guidelines, 2015. Collection method: clinical testing. Allele origin: germline.

GeneDx
Classification: Benign. Last evaluated: 2020-09-08. Review status: criteria provided, single submitter. Criteria: GeneDx Variant Classification Process June 2021. Collection method: clinical testing. Allele origin: germline. Affected: yes.